The following is an entry in ClinVar:

NM_005431.2(XRCC2):c.504A>C (p.Leu168Phe)

Gene: XRCC2 (X-ray repair cross complementing 2; minus strand). Cytogenetic location: 7q36.1.
Variant type: single nucleotide variant.
Coding change: c.504A>C on transcript NM_005431.2 (MANE Select); coding-DNA position 504, A replaced by C.
Protein change: p.Leu168Phe; replaces leucine 168 with phenylalanine.
Molecular consequence: missense variant.
Genome position (GRCh38, 1-based): chr7:152,648,981, T>G on the plus strand (A>C on the coding strand, the complement: XRCC2 is on the minus strand). VCF-style: chr7-152648981-T-G. GRCh37 (hg19) VCF-style: chr7-152346066-T-G.
Other names: short protein forms L168F.
Identifiers: ClinVar variation 3817853 (VCV003817853.1).

ClinVar aggregate classification (germline): Uncertain significance (1 of 4 stars; one submission).

Conditions:
Hereditary cancer-predisposing syndrome. Also called: Hereditary neoplastic syndrome; Neoplastic Syndromes, Hereditary; Tumor predisposition; Hereditary Cancer Syndrome. Identifiers: Orphanet 140162, MedGen C0027672, MeSH D009386, MONDO:0015356.

Submission:

Ambry Genetics
Classification: Uncertain significance for Hereditary cancer-predisposing syndrome. Last evaluated: 2025-03-14. Review status: criteria provided, single submitter. Criteria: Ambry Variant Classification Scheme 2023. Collection method: clinical testing. Allele origin: germline.
Comment: The p.L168F variant (also known as c.504A>C), located in coding exon 3 of the XRCC2 gene, results from an A to C substitution at nucleotide position 504. The leucine at codon 168 is replaced by phenylalanine, an amino acid with highly similar properties. This amino acid position is conserved. In addition, this alteration is predicted to be tolerated by in silico analysis. Based on the available evidence, the clinical significance of this variant remains unclear.